The following is an entry in ClinVar:

ClinVar aggregate classification (germline): Conflicting classifications of pathogenicity. Review status: criteria provided, conflicting classifications (1 of 4 stars). 8 submissions from 8 submitters: Uncertain significance (2); Likely benign (4). 2 of the submissions do not count toward it. Last evaluated 2026-05-22.

Conditions:
Ornithine aminotransferase deficiency (GACR). Also called: HYPERORNITHINEMIA WITH GYRATE ATROPHY OF CHOROID AND RETINA; OAT DEFICIENCY; Ornithine ketoacid aminotransferase deficiency; Gyrate atrophy; Gyrate atrophy of choroid and retina; Girate atrophy of the retina. Identifiers: Orphanet 414, MedGen C0018425, MONDO:0009796, OMIM 258870.
OAT-related disorder. Also called: OAT-related condition.

Allele frequency attached by ClinVar (database versions not stated): gnomAD 0.00054; TOPMed 0.00038.
gnomAD v4.1: 1,252 of 1,613,670 alleles (0.078%); highest among the groups gnomAD compares: Non-Finnish European, 0.1%; 2 homozygotes.

Submissions (10):

PreventionGenetics, part of Exact Sciences
Classification: Uncertain significance for OAT-related condition. Last evaluated: 2026-05-22. Review status: criteria provided, single submitter. Criteria: ACMG Guidelines, 2015. Collection method: clinical testing. Allele origin: germline.
Comment: The OAT c.1311G>T variant is predicted to result in the amino acid substitution p.Leu437Phe. This variant was reported in individuals with Gyrate atrophy; however, this variant was discovered in cis with a different missense variant, and functional studies suggested that the c.1311G>T variant behaves similar to wild type (Brody et al. 1992. PubMed ID: 1737786; Doimo et al. 2012. PubMed ID: 23076989). This variant is reported in 0.059% of alleles in individuals of European (Non-Finnish) descent in gnomAD, including one homozygous which may be too frequent to be a primary cause of disease. Although we suspect that this variant may be benign, at this time, the clinical significance of this variant is uncertain due to the absence of conclusive functional and genetic evidence.

Labcorp Genetics (formerly Invitae), Labcorp
Classification: Likely benign for Ornithine aminotransferase deficiency. Last evaluated: 2026-01-28. Review status: criteria provided, single submitter. Criteria: Invitae Variant Classification Sherloc (09022015). Collection method: clinical testing. Allele origin: germline.

Women's Health and Genetics/Laboratory Corporation of America, LabCorp
Classification: Likely benign. Last evaluated: 2024-11-25. Review status: criteria provided, single submitter. Criteria: LabCorp Variant Classification Summary - May 2015. Collection method: clinical testing. Allele origin: germline.
Comment: Variant summary: OAT c.1311G>T (p.Leu437Phe) results in a non-conservative amino acid change in the encoded protein sequence. Three of five in-silico tools predict a damaging effect of the variant on protein function. The variant allele was found at a frequency of 0.00028 in 249800 control chromosomes in the gnomAD database, including 1 homozygotes. This frequency is not significantly higher than estimated for a pathogenic variant in OAT causing Ornithine Aminotransferase Deficiency (0.00028 vs 0.0011), allowing no conclusion about variant significance. However, the severity and onset age for OAT-related conditions are not compatible with observing homozygous controls in gnomAD. c.1311G>T has been reported in cis with a pathogenic variant on 1 allele (2nd allele carried pathogenic variant in trans) in the literature in at least 1 individual affected with Ornithine Aminotransferase Deficiency (example, Brody_1992, Doimo_2013). These report(s) do not provide unequivocal conclusions about association of the variant with Ornithine Aminotransferase Deficiency. Co-occurrences with other pathogenic variant(s) have been reported (OAT c.1250C>T, p.Pro417Leu), providing supporting evidence for a benign role. At least one publication reports experimental evidence evaluating an impact on protein function. These results showed no damaging effect of this variant in patient cells, CHO cells, or yeast expression systems (example, Brody_1992, Doimo_2013). The following publications have been ascertained in the context of this evaluation (PMID: 1737786, 23076989). ClinVar contains an entry for this variant (Variation ID: 56116). Based on the evidence outlined above, the variant was classified as likely benign.

Blueprint Genetics
Classification: Likely benign. Last evaluated: 2024-06-27. Review status: criteria provided, single submitter. Criteria: ACMG Guidelines, 2015. Collection method: clinical testing. Allele origin: germline.

Illumina Laboratory Services, Illumina
Classification: Likely benign for Ornithine aminotransferase deficiency. Last evaluated: 2017-04-27. Review status: criteria provided, single submitter. Criteria: ICSL Variant Classification Criteria 13 December 2019. Collection method: clinical testing. Allele origin: germline.
Comment: This variant was observed as part of a predisposition screen in an ostensibly healthy population. A literature search was performed for the gene, cDNA change, and amino acid change (where applicable). Publications were found based on this search. The evidence from the literature, in combination with allele frequency data from public databases where available, was sufficient to determine this variant is unlikely to cause disease. Therefore, this variant is classified as likely benign.

CeGaT Center for Human Genetics Tuebingen
Classification: Uncertain significance. Last evaluated: 2017-03-01. Review status: criteria provided, single submitter. Criteria: CeGaT Center For Human Genetics Tuebingen Variant Classification Criteria Version 2. Collection method: clinical testing. Allele origin: germline. Affected: yes. Observed: 1 variant allele.

Natera, Inc.
Classification: Benign for Gyrate atrophy. Last evaluated: 2020-01-23. Review status: no assertion criteria provided. Collection method: clinical testing. Allele origin: germline. Not counted in ClinVar's aggregate classification.

Dr. Peter K. Rogan Lab, Western University
No classification provided (evidence only). Condition: Lung cancer. Review status: no classification provided. Collection method: in vitro. Allele origin: not applicable. Functional consequence: retained intron. Not counted in ClinVar's aggregate classification.

Dr. Peter K. Rogan Lab, Western University
No classification provided (evidence only). Condition: Ovarian serous cystadenocarcinoma. Review status: no classification provided. Collection method: in vitro. Allele origin: not applicable. Functional consequence: retained intron. Not counted in ClinVar's aggregate classification.

Juha Muilu Group; Institute for Molecular Medicine Finland (FIMM)
Classification: Likely pathogenic for Ornithine aminotransferase deficiency. Review status: no assertion criteria provided. Collection method: not provided. Allele origin: unknown. Not counted in ClinVar's aggregate classification.
Comment: FinDis database variant: This variant was not found or characterized by our laboratory, data were collected from public sources: see reference
ClinVar note: Converted during submission from probable-pathogenic to Likely pathogenic.

Literature cited by the submitters: PubMed 23076989 (cited by Women's Health and Genetics/Laboratory Corporation of America, LabCorp and Illumina Laboratory Services, Illumina); PubMed 1737786 (cited by Women's Health and Genetics/Laboratory Corporation of America, LabCorp and Illumina Laboratory Services, Illumina).

NM_000274.4(OAT):c.1311G>T (p.Leu437Phe)

Gene: OAT (ornithine aminotransferase; minus strand). Cytogenetic location: 10q26.13.
Variant type: single nucleotide variant.
Coding change: c.1311G>T on transcript NM_000274.4 (MANE Select); coding-DNA position 1311, G replaced by T.
Protein change: p.Leu437Phe; replaces leucine 437 with phenylalanine.
Molecular consequence: missense variant.
Genome position (GRCh38, 1-based): chr10:124,397,951, C>A on the plus strand (G>T on the coding strand, the complement: OAT is on the minus strand). VCF-style: chr10-124397951-C-A. GRCh37 (hg19) VCF-style: chr10-126086520-C-A.
Other names: c.897G>T, p.Leu299Phe (NM_001171814.2); c.1311G>T, p.Leu437Phe (NM_001322965.2, NM_001322966.2, NM_001322967.2 and 3 more transcripts); c.990G>T, p.Leu330Phe (NM_001322971.2); c.711G>T, p.Leu237Phe (NM_001322974.2); short protein forms L299F, L437F, L237F, L330F.
Identifiers: ClinVar variation 56116 (VCV000056116.61), dbSNP rs1800456, ClinGen allele CA144141.